The following is an entry in ClinVar:

NM_014991.6(WDFY3):c.2099C>T (p.Pro700Leu)

Genes: WDFY3 (WD repeat and FYVE domain containing 3; minus strand), WDFY3-AS1 (WDFY3 antisense RNA 1; plus strand). Cytogenetic location: 4q21.23.
Variant type: single nucleotide variant.
Coding change: c.2099C>T on transcript NM_014991.6 (MANE Select); coding-DNA position 2099, C replaced by T.
Protein change: p.Pro700Leu; replaces proline 700 with leucine.
Molecular consequence: missense variant. On other transcripts: non-coding transcript variant (1).
Genome position (GRCh38, 1-based): chr4:84,810,133, G>A on the plus strand (C>T on the coding strand, the complement: WDFY3 is on the minus strand). VCF-style: chr4-84810133-G-A. GRCh37 (hg19) VCF-style: chr4-85731286-G-A.
Other names: short protein forms P700L.
Identifiers: ClinVar variation 1806507 (VCV001806507.1), dbSNP rs772500376, ClinGen allele CA2993832.

ClinVar aggregate classification (germline): Uncertain significance (1 of 4 stars; one submission).

Allele frequency attached by ClinVar (database versions not stated): gnomAD exomes below 0.00001; ExAC 0.00001; gnomAD 0.00001; TOPMed 0.00001.
gnomAD v4.1: 5 of 1,614,024 alleles (0.00031%); highest among the groups gnomAD compares: South Asian, 0.0022%; no homozygotes.

Submission:

GeneDx
Classification: Uncertain significance. Last evaluated: 2022-06-20. Review status: criteria provided, single submitter. Criteria: GeneDx Variant Classification Process June 2021. Collection method: clinical testing. Allele origin: germline. Affected: yes.
Comment: In silico analysis supports that this missense variant has a deleterious effect on protein structure/function; Has not been previously published as pathogenic or benign to our knowledge